The following is an entry in ClinVar:

NM_001797.4(CDH11):c.826T>A (p.Ser276Thr)

Gene: CDH11 (cadherin 11; minus strand). Cytogenetic location: 16q21.
Variant type: single nucleotide variant.
Coding change: c.826T>A on transcript NM_001797.4 (MANE Select); coding-DNA position 826, T replaced by A.
Protein change: p.Ser276Thr; replaces serine 276 with threonine.
Molecular consequence: missense variant.
Genome position (GRCh38, 1-based): chr16:64,988,330, A>T on the plus strand (T>A on the coding strand, the complement: CDH11 is on the minus strand). VCF-style: chr16-64988330-A-T. GRCh37 (hg19) VCF-style: chr16-65022233-A-T.
Other names: c.826T>A, p.Ser276Thr (NM_001308392.2); c.448T>A, p.Ser150Thr (NM_001330576.2); short protein forms S150T, S276T.
Identifiers: ClinVar variation 4874495 (VCV004874495.2).

ClinVar aggregate classification (germline): Uncertain significance (1 of 4 stars; one submission).

Submission:

CeGaT Center for Human Genetics Tuebingen
Classification: Uncertain significance. Last evaluated: 2026-04-01. Review status: criteria provided, single submitter. Criteria: CeGaT Center For Human Genetics Tuebingen Variant Classification Criteria Version 2. Collection method: clinical testing. Allele origin: germline. Affected: yes. Observed: 1 variant allele.
Comment: CDH11: PM2